The following is an entry in ClinVar:

NM_005475.3(SH2B3):c.149G>C (p.Arg50Pro)

Gene: SH2B3 (SH2B adaptor protein 3; plus strand). Cytogenetic location: 12q24.12.
Variant type: single nucleotide variant.
Coding change: c.149G>C on transcript NM_005475.3 (MANE Select); coding-DNA position 149, G replaced by C.
Protein change: p.Arg50Pro; replaces arginine 50 with proline.
Molecular consequence: missense variant.
Genome position (GRCh38, 1-based): chr12:111,418,294, G>C. VCF-style: chr12-111418294-G-C. GRCh37 (hg19) VCF-style: chr12-111856098-G-C.
Other names: short protein forms R50P.
Identifiers: ClinVar variation 3440836 (VCV003440836.1).

ClinVar aggregate classification (germline): Uncertain significance (1 of 4 stars; one submission).

Conditions:
Inborn genetic diseases. Identifiers: MedGen C0950123, MeSH D030342.

gnomAD v4.1: 8 of 1,535,250 alleles (0.00052%); highest among the groups gnomAD compares: African/African-American, 0.0014%; no homozygotes.

Submission:

Ambry Genetics
Classification: Uncertain significance for Inborn genetic diseases. Last evaluated: 2024-12-06. Review status: criteria provided, single submitter. Criteria: Ambry Variant Classification Scheme 2023. Collection method: clinical testing. Allele origin: germline.
Comment: The p.R50P variant (also known as c.149G>C), located in coding exon 1 of the SH2B3 gene, results from a G to C substitution at nucleotide position 149. The arginine at codon 50 is replaced by proline, an amino acid with dissimilar properties. This amino acid position is conserved. In addition, this alteration is predicted to be tolerated by in silico analysis. Based on the available evidence, the clinical significance of this variant remains unclear.